The following is an entry in ClinVar:

ClinVar aggregate classification (germline): Likely benign (1 of 4 stars; one submission).

gnomAD v4.1: 2 of 1,529,496 alleles (0.00013%); highest among the groups gnomAD compares: Non-Finnish European, 0.00018%; no homozygotes.

Submission:

CeGaT Center for Human Genetics Tuebingen
Classification: Likely benign. Last evaluated: 2024-12-01. Review status: criteria provided, single submitter. Criteria: CeGaT Center For Human Genetics Tuebingen Variant Classification Criteria Version 2. Collection method: clinical testing. Allele origin: germline. Affected: yes. Observed: 1 variant allele.
Comment: NCR3LG1: BP4, BP7

NM_001202439.3(NCR3LG1):c.765T>C (p.Thr255=)

Gene: NCR3LG1 (natural killer cell cytotoxicity receptor 3 ligand 1; plus strand). Cytogenetic location: 11p15.1.
Variant type: single nucleotide variant.
Coding change: c.765T>C on transcript NM_001202439.3 (MANE Select); coding-DNA position 765, T replaced by C.
Protein change: p.Thr255=; no amino-acid change (threonine 255 retained).
Molecular consequence: synonymous variant.
Genome position (GRCh38, 1-based): chr11:17,368,871, T>C. VCF-style: chr11-17368871-T-C. GRCh37 (hg19) VCF-style: chr11-17390418-T-C.
Identifiers: ClinVar variation 3771785 (VCV003771785.13).